The following is an entry in ClinVar:

ClinVar aggregate classification (germline): Uncertain significance. Review status: criteria provided, multiple submitters, no conflicts (2 of 4 stars). 3 submissions from 3 submitters: Uncertain significance (3). Last evaluated 2024-06-05.

Conditions:
Hereditary spastic paraplegia 7 (SPG7). Also called: Autosomal recessive spastic paraplegia type 7; SPG7-related neurologic disorder; Spastic paraplegia 7; Hereditary spastic paraplegia Paraplegin type; SPASTIC PARAPLEGIA 7, AUTOSOMAL RECESSIVE, WITH OR WITHOUT CEREBELLAR ATAXIA. Identifiers: Orphanet 99013, MedGen C1846564, MONDO:0011803, OMIM 607259.

Allele frequency attached by ClinVar (database versions not stated): TOPMed below 0.00001; gnomAD 0.00001; gnomAD exomes 0.00001.
gnomAD v4.1: 11 of 1,611,854 alleles (0.00068%); highest among the groups gnomAD compares: Admixed American, 0.0017%; no homozygotes.

Submissions (3):

Labcorp Genetics (formerly Invitae), Labcorp
Classification: Uncertain significance for Hereditary spastic paraplegia 7. Last evaluated: 2024-06-05. Review status: criteria provided, single submitter. Criteria: Invitae Variant Classification Sherloc (09022015). Collection method: clinical testing. Allele origin: germline.
Comment: This sequence change falls in intron 3 of the SPG7 gene. It does not directly change the encoded amino acid sequence of the SPG7 protein. The frequency data for this variant in the population databases is considered unreliable, as metrics indicate poor data quality at this position in the gnomAD database. This variant has not been reported in the literature in individuals affected with SPG7-related conditions. Algorithms developed to predict the effect of sequence changes on RNA splicing suggest that this variant may disrupt the consensus splice site. In summary, the available evidence is currently insufficient to determine the role of this variant in disease. Therefore, it has been classified as a Variant of Uncertain Significance.

Blueprint Genetics
Classification: Uncertain significance. Last evaluated: 2024-02-05. Review status: criteria provided, single submitter. Criteria: ACMG Guidelines, 2015. Collection method: clinical testing. Allele origin: germline.

MVZ Medizinische Genetik Mainz
Classification: Uncertain significance for Hereditary spastic paraplegia 7. Last evaluated: 2023-03-10. Review status: criteria provided, single submitter. Criteria: UK Practice Guidelines For Variant Classification V4 01 2020. Collection method: clinical testing. Allele origin: germline. Inheritance: Autosomal recessive inheritance. Affected: yes. Observed: 1 variant allele.
Comment: ACMG Criteria: PM2_SUP,PP3

NM_003119.4(SPG7):c.377-7G>A

Gene: SPG7 (SPG7 matrix AAA peptidase subunit, paraplegin; plus strand). Cytogenetic location: 16q24.3.
Variant type: single nucleotide variant.
Coding change: c.377-7G>A on transcript NM_003119.4 (MANE Select); 7 bases into the intron before coding-DNA position 377, G replaced by A.
Molecular consequence: intron variant.
Genome position (GRCh38, 1-based): chr16:89,523,999, G>A. VCF-style: chr16-89523999-G-A. GRCh37 (hg19) VCF-style: chr16-89590407-G-A.
Other names: c.377-7G>A (NM_001363850.1, NM_199367.3).
Identifiers: ClinVar variation 3066376 (VCV003066376.4), dbSNP rs1198771337, ClinGen allele CA624452767.